The following is an entry in ClinVar:

ClinVar aggregate classification (germline): Likely benign (0 of 4 stars; one submission).

Conditions:
TNS2-related disorder. Also called: TNS2-related condition.

Allele frequency attached by ClinVar (database versions not stated): ExAC 0.00001; gnomAD 0.00001.
gnomAD v4.1: 4 of 1,613,798 alleles (0.00025%); highest among the groups gnomAD compares: East Asian, 0.0089%; no homozygotes.

Submission:

PreventionGenetics, part of Exact Sciences
Classification: Likely benign for TNS2-related condition. Last evaluated: 2022-04-25. Review status: no assertion criteria provided. Collection method: clinical testing. Allele origin: germline.
Comment: This variant is classified as likely benign based on ACMG/AMP sequence variant interpretation guidelines (Richards et al. 2015 PMID: 25741868, with internal and published modifications).

NM_170754.4(TNS2):c.1368T>C (p.Tyr456=)

Gene: TNS2 (tensin 2; plus strand). Cytogenetic location: 12q13.13.
Variant type: single nucleotide variant.
Coding change: c.1368T>C on transcript NM_170754.4 (MANE Select); coding-DNA position 1368, T replaced by C.
Protein change: p.Tyr456=; no amino-acid change (tyrosine 456 retained).
Molecular consequence: synonymous variant.
Genome position (GRCh38, 1-based): chr12:53,058,790, T>C. VCF-style: chr12-53058790-T-C. GRCh37 (hg19) VCF-style: chr12-53452574-T-C.
Other names: c.1368T>C, p.Tyr456= (NM_001416202.1, NM_001416204.1); c.1299T>C, p.Tyr433= (NM_001416203.1, NM_015319.3); c.996T>C, p.Tyr332= (NM_198316.2).
Identifiers: ClinVar variation 3032527 (VCV003032527.2), dbSNP rs769164446, ClinGen allele CA6592306.